The following is an entry in ClinVar:

ClinVar aggregate classification (germline): Uncertain significance (1 of 4 stars; one submission).

Conditions:
SMC1A-related disorder. Also called: SMC1A-related condition.

Submission:

PreventionGenetics, part of Exact Sciences
Classification: Uncertain significance for SMC1A-related condition. Last evaluated: 2023-07-05. Review status: criteria provided, single submitter. Criteria: ACMG Guidelines, 2015. Collection method: clinical testing. Allele origin: germline.
Comment: The SMC1A c.2403T>G variant is predicted to result in the amino acid substitution p.Asn801Lys. To our knowledge, this variant has not been reported in the literature or in a large population database, indicating this variant is rare. At this time, the clinical significance of this variant is uncertain due to the absence of conclusive functional and genetic evidence.

NM_006306.4(SMC1A):c.2403T>G (p.Asn801Lys)

Gene: SMC1A (structural maintenance of chromosomes 1A; minus strand). Cytogenetic location: Xp11.22.
Variant type: single nucleotide variant.
Coding change: c.2403T>G on transcript NM_006306.4 (MANE Select); coding-DNA position 2403, T replaced by G.
Protein change: p.Asn801Lys; replaces asparagine 801 with lysine.
Molecular consequence: missense variant.
Genome position (GRCh38, 1-based): chrX:53,403,583, A>C on the plus strand (T>G on the coding strand, the complement: SMC1A is on the minus strand). VCF-style: chrX-53403583-A-C. GRCh37 (hg19) VCF-style: chrX-53430515-A-C.
Other names: c.2337T>G, p.Asn779Lys (NM_001281463.1); short protein forms N779K, N801K.
Identifiers: ClinVar variation 2632549 (VCV002632549.1), dbSNP rs2520919430, ClinGen allele CA413250930.